The following is an entry in ClinVar:

NC_000022.11:g.40346339G>A

Gene: ADSL (adenylosuccinate lyase; plus strand). Cytogenetic location: 22q13.1.
Variant type: single nucleotide variant.
Genome position: GRCh38 VCF-style: chr22-40346339-G-A. GRCh37 (hg19) VCF-style: chr22-40742343-G-A.
Identifiers: ClinVar variation 1368607 (VCV001368607.3), dbSNP rs2146610710, ClinGen allele CA2573158350.

ClinVar aggregate classification (germline): Uncertain significance (1 of 4 stars; one submission).

Conditions:
Adenylosuccinate lyase deficiency (ADSLD). Also called: ADSL DEFICIENCY. Identifiers: Orphanet 46, MedGen C0268126, MONDO:0007068, OMIM 103050.

Submission:

Labcorp Genetics (formerly Invitae), Labcorp
Classification: Uncertain significance for Adenylosuccinate lyase deficiency. Last evaluated: 2022-08-10. Review status: criteria provided, single submitter. Criteria: Invitae Variant Classification Sherloc (09022015). Collection method: clinical testing. Allele origin: germline.
Comment: This variant occurs in a non-coding region of the ADSL gene. It does not change the encoded amino acid sequence of the ADSL protein. This variant is not present in population databases (gnomAD no frequency). This variant has not been reported in the literature in individuals affected with ADSL-related conditions. Experimental studies and prediction algorithms are not available or were not evaluated, and the functional significance of this variant is currently unknown. In summary, the available evidence is currently insufficient to determine the role of this variant in disease. Therefore, it has been classified as a Variant of Uncertain Significance.